The following is an entry in ClinVar:

NM_001040108.2(MLH3):c.1441G>A (p.Ala481Thr)

Gene: MLH3 (mutL homolog 3; minus strand). Cytogenetic location: 14q24.3.
Variant type: single nucleotide variant.
Coding change: c.1441G>A on transcript NM_001040108.2 (MANE Select); coding-DNA position 1441, G replaced by A.
Protein change: p.Ala481Thr; replaces alanine 481 with threonine.
Molecular consequence: missense variant.
Genome position (GRCh38, 1-based): chr14:75,048,215, C>T on the plus strand (G>A on the coding strand, the complement: MLH3 is on the minus strand). VCF-style: chr14-75048215-C-T. GRCh37 (hg19) VCF-style: chr14-75514918-C-T.
Other names: c.1441G>A, p.Ala481Thr (NM_014381.3); short protein forms A481T.
Identifiers: ClinVar variation 2625636 (VCV002625636.3), dbSNP rs1405992238, ClinGen allele CA390445648.

ClinVar aggregate classification (germline): Uncertain significance (1 of 4 stars; one submission).

Submission:

Ambry Genetics
Classification: Uncertain significance. Last evaluated: 2025-10-09. Review status: criteria provided, single submitter. Criteria: Ambry Variant Classification Scheme 2023. Collection method: clinical testing. Allele origin: germline.
Comment: The p.A481T variant (also known as c.1441G>A), located in coding exon 1 of the MLH3 gene, results from a G to A substitution at nucleotide position 1441. The alanine at codon 481 is replaced by threonine, an amino acid with similar properties. This amino acid position is conserved. In addition, this alteration is predicted to be tolerated by in silico analysis. Since supporting evidence is limited at this time, the clinical significance of this alteration remains unclear.